The following is an entry in ClinVar:

ClinVar aggregate classification (germline): Likely pathogenic. Review status: criteria provided, multiple submitters, no conflicts (2 of 4 stars). 3 submissions from 3 submitters: Likely pathogenic (3). Last evaluated 2025-07-30.

Conditions:
Aspartylglucosaminuria (AGU). Also called: Aspartylglucos-aminuria; Aspartylglucos-amidase (AGA) deficiency; AGA DEFICIENCY; GLYCOASPARAGINASE; GLYCOSYLASPARAGINASE DEFICIENCY. Identifiers: Orphanet 93, MedGen C0268225, MONDO:0008830, OMIM 208400, HP:0012068.

gnomAD v4.1: 2 of 1,585,888 alleles (0.00013%); highest among the groups gnomAD compares: Non-Finnish European, 0.00017%; no homozygotes.

Submissions (3):

Myriad Genetics, Inc.
Classification: Likely pathogenic for Aspartylglucosaminuria. Last evaluated: 2025-07-30. Review status: criteria provided, single submitter. Criteria: Myriad Autosomal Dominant, Autosomal Recessive and X-Linked Classification Criteria (2023). Collection method: clinical testing. Allele origin: unknown.
Comment: NM_000027.3(AGA):c.508-2A>C is a variant in a canonical splice site classified as likely pathogenic in the context of aspartylglucosaminuria. c.508-2A>C has not been observed in cases with relevant disease. Relevant functional assessments of this variant are not available in the literature. c.508-2A>C has not been observed in referenced population frequency databases. In summary, NM_000027.3(AGA):c.508-2A>C is a variant in a canonical splice site in a gene where loss of function is a known mechanism of disease and is predicted to disrupt protein function. Please note: this variant was assessed in the context of healthy population screening.

Natera, Inc.
Classification: Likely pathogenic for Aspartylglucosaminuria. Last evaluated: 2024-08-13. Review status: criteria provided, single submitter. Criteria: Natera Variant Classification Schema (03/2026). Collection method: clinical testing. Allele origin: germline.
Comment: The c.508-2A>C variant in AGA is a canonical splice acceptor site variant predicted to affect pre-mRNA splicing, which may result in an abnormal transcript and altered protein product. This variant is expected to result in nonsense mediated decay, truncation, or a dysfunctional protein product. This variant is rare in the general population with a frequency below the threshold expected for the associated phenotype(s). Given the available evidence, this variant is classified as Likely Pathogenic.

Women's Health and Genetics/Laboratory Corporation of America, LabCorp
Classification: Likely pathogenic for Aspartylglucosaminuria. Last evaluated: 2023-01-31. Review status: criteria provided, single submitter. Criteria: LabCorp Variant Classification Summary - May 2015. Collection method: clinical testing. Allele origin: germline.
Comment: Variant summary: AGA c.508-2A>C is located in a canonical splice-site and is predicted to affect mRNA splicing resulting in a significantly altered protein due to either exon skipping, shortening, or inclusion of intronic material. Several computational tools predict a significant impact on normal splicing: Three predict the variant abolishes a 3 acceptor site. However, these predictions have yet to be confirmed by functional studies. The variant was absent in 250940 control chromosomes. To our knowledge, no occurrence of c.508-2A>C in individuals affected with Aspartylglucosaminuria and no experimental evidence demonstrating its impact on protein function have been reported. No clinical diagnostic laboratories have submitted clinical-significance assessments for this variant to ClinVar after 2014. Based on the evidence outlined above, the variant was classified as likely pathogenic.

NM_000027.4(AGA):c.508-2A>C

Gene: AGA (aspartylglucosaminidase; minus strand). Cytogenetic location: 4q34.3.
Variant type: single nucleotide variant.
Coding change: c.508-2A>C on transcript NM_000027.4 (MANE Select); the canonical splice acceptor site of the intron before coding-DNA position 508, A replaced by C.
Molecular consequence: splice acceptor variant.
Genome position (GRCh38, 1-based): chr4:177,437,521, T>G on the plus strand (A>C on the coding strand, the complement: AGA is on the minus strand). VCF-style: chr4-177437521-T-G. GRCh37 (hg19) VCF-style: chr4-178358675-T-G.
Other names: c.508-2A>C (NM_001171988.2).
Identifiers: ClinVar variation 2429118 (VCV002429118.6), dbSNP rs986682657, ClinGen allele CA358783037.